The following is an entry in ClinVar:

ClinVar aggregate classification (germline): Conflicting classifications of pathogenicity. Review status: criteria provided, conflicting classifications (1 of 4 stars). 2 submissions from 2 submitters: Uncertain significance (1); Benign (1). Last evaluated 2026-01-25.

Conditions:
Kleefstra syndrome 1 (KLEFS1). Identifiers: Orphanet 261494, MedGen C0795833, MONDO:0027407, OMIM 610253.

Allele frequency attached by ClinVar (database versions not stated): gnomAD 0.00001; ExAC 0.00001; TOPMed 0.00001; gnomAD exomes 0.00002.
gnomAD v4.1: 22 of 1,610,066 alleles (0.0014%); highest among the groups gnomAD compares: South Asian, 0.0022%; no homozygotes.

Submissions (2):

Labcorp Genetics (formerly Invitae), Labcorp
Classification: Benign for Kleefstra syndrome 1. Last evaluated: 2026-01-25. Review status: criteria provided, single submitter. Criteria: Invitae Variant Classification Sherloc (09022015). Collection method: clinical testing. Allele origin: germline.

GeneDx
Classification: Uncertain significance. Last evaluated: 2021-04-26. Review status: criteria provided, single submitter. Criteria: GeneDx Variant Classification Process June 2021. Collection method: clinical testing. Allele origin: germline. Affected: yes.
Comment: Not observed at a significant frequency in large population cohorts (Lek et al., 2016); In silico analysis supports that this missense variant has a deleterious effect on protein structure/function; Has not been previously published as pathogenic or benign to our knowledge

NM_024757.5(EHMT1):c.2791G>A (p.Asp931Asn)

Gene: EHMT1 (euchromatic histone lysine methyltransferase 1; plus strand). Cytogenetic location: 9q34.3.
Variant type: single nucleotide variant.
Coding change: c.2791G>A on transcript NM_024757.5 (MANE Select); coding-DNA position 2791, G replaced by A.
Protein change: p.Asp931Asn; replaces aspartic acid 931 with asparagine.
Molecular consequence: missense variant.
Genome position (GRCh38, 1-based): chr9:137,811,539, G>A. VCF-style: chr9-137811539-G-A. GRCh37 (hg19) VCF-style: chr9-140705991-G-A.
Other names: c.2770G>A, p.Asp924Asn (NM_001354263.2); short protein forms D924N, D931N.
Identifiers: ClinVar variation 1314514 (VCV001314514.5), dbSNP rs745973990, ClinGen allele CA5375061.